The following is an entry in ClinVar:

NM_006509.4(RELB):c.941C>T (p.Pro314Leu)

Gene: RELB (RELB proto-oncogene, NF-kB subunit; plus strand). Cytogenetic location: 19q13.32.
Variant type: single nucleotide variant.
Coding change: c.941C>T on transcript NM_006509.4 (MANE Select); coding-DNA position 941, C replaced by T.
Protein change: p.Pro314Leu; replaces proline 314 with leucine.
Molecular consequence: missense variant.
Genome position (GRCh38, 1-based): chr19:45,028,942, C>T. VCF-style: chr19-45028942-C-T. GRCh37 (hg19) VCF-style: chr19-45532200-C-T.
Other names: c.932C>T, p.Pro311Leu (NM_001411087.1); short protein forms P311L, P314L.
Identifiers: ClinVar variation 1935576 (VCV001935576.5), dbSNP rs748518205, ClinGen allele CA9507696.

ClinVar aggregate classification (germline): Uncertain significance (1 of 4 stars; one submission).

gnomAD v4.1: 11 of 1,599,242 alleles (0.00069%); highest among the groups gnomAD compares: African/African-American, 0.0013%; no homozygotes.

Submission:

Labcorp Genetics (formerly Invitae), Labcorp
Classification: Uncertain significance. Last evaluated: 2023-10-10. Review status: criteria provided, single submitter. Criteria: Invitae Variant Classification Sherloc (09022015). Collection method: clinical testing. Allele origin: germline.
Comment: This sequence change replaces proline, which is neutral and non-polar, with leucine, which is neutral and non-polar, at codon 314 of the RELB protein (p.Pro314Leu). This variant is not present in population databases (gnomAD no frequency). This variant has not been reported in the literature in individuals affected with RELB-related conditions. ClinVar contains an entry for this variant (Variation ID: 1935576). An algorithm developed to predict the effect of missense changes on protein structure and function (PolyPhen-2) suggests that this variant is likely to be tolerated. In summary, the available evidence is currently insufficient to determine the role of this variant in disease. Therefore, it has been classified as a Variant of Uncertain Significance.